The following is an entry in ClinVar:

ClinVar aggregate classification (germline): Pathogenic/Likely pathogenic. Review status: criteria provided, multiple submitters, no conflicts (2 of 4 stars). 2 submissions from 2 submitters: Pathogenic (1); Likely pathogenic (1). Last evaluated 2023-09-20.

Conditions:
Epilepsy, familial focal, with variable foci 1 (FFEVF1). Also called: DEPDC5-Related Epilepsy. Identifiers: MedGen C4551983, MONDO:0024556, OMIM 604364.
Epilepsy. Also called: Seizure disorder. Identifiers: MedGen C0014544, MeSH D004827, MONDO:0005027.

Submissions (2):

New York Genome Center
Classification: Likely pathogenic for Epilepsy, familial focal, with variable foci 1. Last evaluated: 2023-09-20. Review status: criteria provided, single submitter. Criteria: NYGC Assertion Criteria 2020. Collection method: clinical testing. Allele origin: inherited. Observed: 1 heterozygote. Study: PrenatalSEQ.
Comment: The inherited c.687del variant identified in the DEPDC5 gene is the deletion of a single nucleotide that is predicted to lead to a frameshift at amino acid 229/1604 (exon 11/43) and is predicted to lead to the premature termination of the protein approximately 9 amino acids downstream (p.(Lys229AsnfsTer9)). This variant is absent from population databases (gnomADv3.1.2, BRAVO-TOPMed, All of Us) suggesting it is not a common benign variant in the populations represented in those databases. The p.(Lys229AsnfsTer9) variant is absent from ClinVar, however many Pathogenic nonsense and frameshift variants have been reported downstream [VarID:50824, 2094683, 654814, others]. While this variant has not been previously reported in affected individuals in the literature, other nonsense and frameshift variants downstream have been reported in affected individuals and families [PMID:27683934, 23542697, 26505888, others]. Given its deleterious nature and absence in population databases, the inherited c.687del p.(Lys229AsnfsTer9) variant identified in the DEPDC5 gene is reported as Likely Pathogenic.

Cambridge Genomics Laboratory, East Genomic Laboratory Hub, NHS Genomic Medicine Service
Classification: Pathogenic for Epilepsy. Last evaluated: 2020-05-14. Review status: criteria provided, single submitter. Criteria: ACGS Best Practice Guidelines for Variant Classification in Rare Disease 2020. Collection method: clinical testing. Allele origin: germline. Affected: yes. Observed: 1 variant allele.

NM_001242896.3(DEPDC5):c.687del (p.Lys229fs)

Gene: DEPDC5 (DEP domain containing 5, GATOR1 subcomplex subunit; plus strand). Cytogenetic location: 22q12.2.
Variant type: Deletion.
Coding change: c.687del on transcript NM_001242896.3 (MANE Select); coding-DNA position 687, one base deleted (A; older notation c.687delA).
Protein change: p.Lys229fs; shifts the reading frame from lysine 229.
Molecular consequence: frameshift variant. On other transcripts: non-coding transcript variant (5).
Genome position (GRCh38, 1-based): chr22:31,792,095, A deleted; the last of 4 consecutive A bases (chr22:31,792,092-31,792,095); deleting any one gives the same sequence. VCF-style (leftmost placement, unchanged base first): chr22-31792091-CA-C. GRCh37 (hg19) VCF-style: chr22-32188077-CA-C.
Other names: c.687del, p.Lys229fs (NM_001007188.4, NM_001136029.4, NM_001242897.2 and 7 more transcripts); c.603del, p.Lys201fs (NM_001369901.1, NM_001369902.1); short protein forms K201fs, K229fs.
Identifiers: ClinVar variation 3235899 (VCV003235899.2), dbSNP rs2518594940, ClinGen allele CA2825002880.